The following is an entry in ClinVar:

NM_014244.5(ADAMTS2):c.139+6T>A

Gene: ADAMTS2 (ADAM metallopeptidase with thrombospondin type 1 motif 2; minus strand). Cytogenetic location: 5q35.3.
Variant type: single nucleotide variant.
Coding change: c.139+6T>A on transcript NM_014244.5 (MANE Select); 6 bases into the intron after coding-DNA position 139, T replaced by A.
Molecular consequence: intron variant.
Genome position (GRCh38, 1-based): chr5:179,345,184, A>T on the plus strand (T>A on the coding strand, the complement: ADAMTS2 is on the minus strand). VCF-style: chr5-179345184-A-T. GRCh37 (hg19) VCF-style: chr5-178772185-A-T.
Other names: c.139+6T>A (NM_021599.4).
Identifiers: ClinVar variation 2193555 (VCV002193555.1), dbSNP rs1757904753, ClinGen allele CA1085000546.

ClinVar aggregate classification (germline): Uncertain significance (1 of 4 stars; one submission).

Conditions:
Ehlers-Danlos syndrome, dermatosparaxis type. Also called: EDS VIIC; Dermatosparaxis; Ehlers-Danlos syndrome, type VII, autosomal recessive. Identifiers: Orphanet 1901, MedGen C2700425, MONDO:0009161, OMIM 225410.

Allele frequency attached by ClinVar (database versions not stated): gnomAD 0.00001.
gnomAD v4.1: 1 of 1,103,458 alleles (0.000091%); highest among the groups gnomAD compares: African/African-American, 0.0017%; no homozygotes.

Submission:

Labcorp Genetics (formerly Invitae), Labcorp
Classification: Uncertain significance for Ehlers-Danlos syndrome, dermatosparaxis type. Last evaluated: 2021-12-18. Review status: criteria provided, single submitter. Criteria: Invitae Variant Classification Sherloc (09022015). Collection method: clinical testing. Allele origin: germline.
Comment: This sequence change falls in intron 1 of the ADAMTS2 gene. It does not directly change the encoded amino acid sequence of the ADAMTS2 protein. It affects a nucleotide within the consensus splice site. This variant is not present in population databases (gnomAD no frequency). This variant has not been reported in the literature in individuals affected with ADAMTS2-related conditions. Variants that disrupt the consensus splice site are a relatively common cause of aberrant splicing (PMID: 17576681, 9536098). Algorithms developed to predict the effect of sequence changes on RNA splicing suggest that this variant is not likely to affect RNA splicing. In summary, the available evidence is currently insufficient to determine the role of this variant in disease. Therefore, it has been classified as a Variant of Uncertain Significance.

Literature cited by the submitters: PubMed 17576681; PubMed 9536098.